The following is an entry in ClinVar:

ClinVar aggregate classification (germline): Uncertain significance (1 of 4 stars; one submission).

Conditions:
Cardiomyopathy (CMYO). Also called: Cardiomyopathies. Identifiers: Orphanet 167848, MedGen C0878544, MONDO:0004994, HP:0001638. Inheritance: Various modes of inheritance.

Submission:

Color Diagnostics, LLC DBA Color Health
Classification: Uncertain significance for Cardiomyopathy. Last evaluated: 2025-06-23. Review status: criteria provided, single submitter. Criteria: ACMG Guidelines, 2015. Collection method: clinical testing. Allele origin: germline.
Comment: This missense variant replaces glutamic acid with lysine at codon 1168 of the MYBPC3 protein. Computational prediction suggests that this variant may not impact protein structure and function. To our knowledge, functional studies have not been reported for this variant. This variant has not been reported in individuals affected with MYBPC3-related disorders in the literature. This variant has not been identified in the general population by the Genome Aggregation Database (gnomAD). The available evidence is insufficient to determine the role of this variant in disease conclusively. Therefore, this variant is classified as a Variant of Uncertain Significance.

NM_000256.3(MYBPC3):c.3502G>A (p.Glu1168Lys)

Gene: MYBPC3 (myosin binding protein C3; minus strand). Cytogenetic location: 11p11.2.
Variant type: single nucleotide variant.
Coding change: c.3502G>A on transcript NM_000256.3 (MANE Select); coding-DNA position 3502, G replaced by A.
Protein change: p.Glu1168Lys; replaces glutamic acid 1168 with lysine.
Molecular consequence: missense variant.
Genome position (GRCh38, 1-based): chr11:47,332,691, C>T on the plus strand (G>A on the coding strand, the complement: MYBPC3 is on the minus strand). VCF-style: chr11-47332691-C-T. GRCh37 (hg19) VCF-style: chr11-47354242-C-T.
Other names: short protein forms E1168K.
Identifiers: ClinVar variation 4756810 (VCV004756810.1).
Genomic context (GRCh38, chr11:47,332,691, plus strand): 5'-CCAGGGGCTGGGTGAAGCTTGGGGCCTCGGAGAAGTCCAGGGCCTTATAGTTGGGTGGCT[C>T]ATAGGTGATGCCTGTTGGTGACAGGACTTGGTACCGAGAGGGCCACACAAAGCTAGGCCC-3'
Protein context (NP_000247.2, residues 1158-1178): VFIPRPGITY[Glu1168Lys]PPNYKALDFS